The following is an entry in ClinVar:

ClinVar aggregate classification (germline): Likely pathogenic. Review status: criteria provided, multiple submitters, no conflicts (2 of 4 stars). 2 submissions from 2 submitters: Likely pathogenic (2). Last evaluated 2026-07-13.

Conditions:
Cardiovascular phenotype. Identifiers: MedGen CN230736.
TTN-related disorder. Also called: TTN-related condition; TTN-related disease; TTN-related disorders.

Submissions (2):

Ambry Genetics
Classification: Likely pathogenic for Cardiovascular phenotype. Last evaluated: 2026-07-13. Review status: criteria provided, single submitter. Criteria: Ambry Variant Classification Scheme 2023. Collection method: clinical testing. Allele origin: germline.
Comment: The p.Y21137* variant (also known as c.63411C>A), located in coding exon 162 of the TTN gene, results from a C to A substitution at nucleotide position 63411. This changes the amino acid from a tyrosine to a stop codon within coding exon 162. This exon is located in the A-band region of the N2-B isoform of the titin protein and is constitutively expressed in TTN transcripts (percent spliced in or PSI 100%). This variant is expected to result in loss of function by premature protein truncation or nonsense-mediated mRNA decay. While truncating variants in TTN are present in 1-3% of the general population, truncating variants in the A-band are the most common cause of dilated cardiomyopathy (Herman DS et al. N. Engl. J. Med., 2012 Feb;366:619-28; Roberts AM et al. Sci Transl Med, 2015 Jan;7:270ra6). TTN truncating variants encoded in constitutive exons (PSI >90%) have been found to be significantly associated with DCM regardless of their position in titin (Schafer S et al. Nat. Genet., 2017 01;49:46-53; Akhtar MM et al. Circ Heart Fail, 2020 Oct;13:e006832; Massier M et al. Clin Genet, 2025 Jan). This variant is considered to be rare based on population cohorts in the Genome Aggregation Database (gnomAD). Based on the majority of available evidence to date, this variant is likely to be pathogenic.

Blueprint Genetics
Classification: Likely pathogenic for TTN-related disorders. Last evaluated: 2024-05-08. Review status: criteria provided, single submitter. Criteria: ACMG Guidelines, 2015. Collection method: clinical testing. Allele origin: germline. Affected: yes. Observed: 1 variant allele.

NM_001267550.2(TTN):c.90606C>A (p.Tyr30202Ter)

Genes: TTN (titin; minus strand), TTN-AS1 (TTN antisense RNA 1; plus strand). Cytogenetic location: 2q31.2.
Variant type: single nucleotide variant.
Coding change: c.90606C>A on transcript NM_001267550.2 (MANE Select); coding-DNA position 90606, C replaced by A.
Protein change: p.Tyr30202Ter; replaces tyrosine 30202 with a stop codon.
Molecular consequence: nonsense.
Genome position (GRCh38, 1-based): chr2:178,552,294, G>T on the plus strand (C>A on the coding strand, the complement: TTN is on the minus strand). VCF-style: chr2-178552294-G-T. GRCh37 (hg19) VCF-style: chr2-179417021-G-T.
Other names: c.85683C>A, p.Tyr28561Ter (NM_001256850.1); c.63411C>A, p.Tyr21137Ter (NM_003319.4); c.82902C>A, p.Tyr27634Ter (NM_133378.4); c.63786C>A, p.Tyr21262Ter (NM_133432.3); c.63987C>A, p.Tyr21329Ter (NM_133437.4); short protein forms Y21262*, Y21329*, Y21137*, Y27634*, Y28561*, Y30202*.
Identifiers: ClinVar variation 4958010 (VCV004958010.2).